The following is an entry in ClinVar:

NM_004048.4(B2M):c.160G>A (p.Asp54Asn)

Gene: B2M (beta-2-microglobulin; plus strand). Cytogenetic location: 15q21.1.
Variant type: single nucleotide variant.
Coding change: c.160G>A on transcript NM_004048.4 (MANE Select); coding-DNA position 160, G replaced by A.
Protein change: p.Asp54Asn; replaces aspartic acid 54 with asparagine.
Molecular consequence: missense variant.
Genome position (GRCh38, 1-based): chr15:44,715,515, G>A. VCF-style: chr15-44715515-G-A. GRCh37 (hg19) VCF-style: chr15-45007713-G-A.
Other names: short protein forms D54N.
Identifiers: ClinVar variation 1479725 (VCV001479725.7), dbSNP rs148494241, ClinGen allele CA7536293.

ClinVar aggregate classification (germline): Uncertain significance. Review status: criteria provided, multiple submitters, no conflicts (2 of 4 stars). 2 submissions from 2 submitters: Uncertain significance (2). Last evaluated 2025-01-23.

Conditions:
Amyloidosis, hereditary systemic 6. Identifiers: MedGen C5935573, MONDO:0971010, OMIM 620659.
Hypoproteinemia, hypercatabolic (IMD43). Also called: IMMUNODEFICIENCY 43; BETA-2-MICROGLOBULIN DEFICIENCY; B2M DEFICIENCY; MHC CLASS I DEFICIENCY 4. Identifiers: MedGen C1855796, MONDO:0009434, OMIM 241600.

Allele frequency attached by ClinVar (database versions not stated): gnomAD exomes below 0.00001; ExAC 0.00001; gnomAD 0.00001; TOPMed 0.00001; ESP Exome Variant Server 0.00008.
gnomAD v4.1: 5 of 1,614,026 alleles (0.00031%); highest among the groups gnomAD compares: African/African-American, 0.0027%; no homozygotes.

Submissions (2):

Labcorp Genetics (formerly Invitae), Labcorp
Classification: Uncertain significance for Hypoproteinemia, hypercatabolic. Last evaluated: 2025-01-23. Review status: criteria provided, single submitter. Criteria: Invitae Variant Classification Sherloc (09022015). Collection method: clinical testing. Allele origin: germline.
Comment: This sequence change replaces aspartic acid, which is acidic and polar, with asparagine, which is neutral and polar, at codon 54 of the B2M protein (p.Asp54Asn). This variant is not present in population databases (gnomAD no frequency). This variant has not been reported in the literature in individuals affected with B2M-related conditions. ClinVar contains an entry for this variant (Variation ID: 1479725). An algorithm developed to predict the effect of missense changes on protein structure and function (PolyPhen-2) suggests that this variant is likely to be tolerated. In summary, the available evidence is currently insufficient to determine the role of this variant in disease. Therefore, it has been classified as a Variant of Uncertain Significance.

Fulgent Genetics
Classification: Uncertain significance for Hypoproteinemia, hypercatabolic; Amyloidosis, hereditary systemic 6. Last evaluated: 2024-02-04. Review status: criteria provided, single submitter. Criteria: ACMG Guidelines, 2015. Collection method: clinical testing. Allele origin: germline.